The following is an entry in ClinVar:

NM_005726.6(TSFM):c.416del (p.Gln139fs)

Gene: TSFM (Ts translation elongation factor, mitochondrial; plus strand). Cytogenetic location: 12q14.1.
Variant type: Deletion.
Coding change: c.416del on transcript NM_005726.6 (MANE Select); coding-DNA position 416, one base deleted (A; older notation c.416delA).
Protein change: p.Gln139fs; shifts the reading frame from glutamine 139.
Molecular consequence: frameshift variant.
Genome position (GRCh38, 1-based): chr12:57,787,095, A deleted. VCF-style (leftmost placement, unchanged base first): chr12-57787094-CA-C. GRCh37 (hg19) VCF-style: chr12-58180877-CA-C.
Other names: c.416del, p.Gln139fs (NM_001172695.2, NM_001172696.2, NM_001172697.2); short protein forms Q139fs.
Identifiers: ClinVar variation 4814679 (VCV004814679.1).

ClinVar aggregate classification (germline): Likely pathogenic (1 of 4 stars; one submission).

Conditions:
Fatal mitochondrial disease due to combined oxidative phosphorylation defect type 3. Also called: Combined oxidative phosphorylation deficiency 3; ENCEPHALOMYOPATHY, RESPIRATORY FAILURE, AND LACTIC ACIDOSIS. Identifiers: Orphanet 168566, MedGen C1864840, MONDO:0012512, OMIM 610505.

Submission:

Natera, Inc.
Classification: Likely pathogenic for Combined oxidative phosphorylation deficiency 3. Last evaluated: 2024-08-26. Review status: criteria provided, single submitter. Criteria: Natera Variant Classification Schema (03/2026). Collection method: clinical testing. Allele origin: germline.
Comment: The c.416del variant in TSFM is a frameshift variant predicted to shift the reading frame beginning at codon 139 and leads to a stop codon 3 codons downstream. This variant is expected to result in nonsense mediated decay, truncation, or a dysfunctional protein product. This variant is rare in the general population with a frequency below the threshold expected for the associated phenotype(s). Given the available evidence, this variant is classified as Likely Pathogenic.